The following is an entry in ClinVar:

ClinVar aggregate classification (germline): Uncertain significance. Review status: criteria provided, multiple submitters, no conflicts (2 of 4 stars). 3 submissions from 3 submitters: Uncertain significance (3). Last evaluated 2026-01-11.

Conditions:
Inborn genetic diseases. Identifiers: MedGen C0950123, MeSH D030342.

gnomAD v4.1: 1 of 1,613,452 alleles (0.000062%); highest among the groups gnomAD compares: Non-Finnish European, 0.000085%; no homozygotes.

Submissions (3):

Dasa
Classification: Uncertain significance. Last evaluated: 2026-01-11. Review status: criteria provided, single submitter. Criteria: DASA Assertion Criteria. Collection method: clinical testing. Allele origin: germline.
Comment: NM_015215.4(CAMTA1):c.1777A>G (p.Lys593Glu) is a missense variant that results in the substitution of lysine with glutamic acid. This variant is rare in population databases. The currently available literature and clinical evidence are not sufficient to establish a definitive association between this variant and the reported condition. Therefore, this variant is classified as a variant of uncertain significance.

Women's Health and Genetics/Laboratory Corporation of America, LabCorp
Classification: Uncertain significance. Last evaluated: 2025-10-23. Review status: criteria provided, single submitter. Criteria: LabCorp Variant Classification Summary - May 2015. Collection method: clinical testing. Allele origin: germline.
Comment: Variant summary: CAMTA1 c.1777A>G (p.Lys593Glu) results in a conservative amino acid change in the encoded protein sequence. Algorithms developed to predict the effect of missense changes on protein structure and function are either unavailable or do not agree on the potential impact of this missense change. The variant was absent in 250420 control chromosomes. The available data on variant occurrences in the general population are insufficient to allow any conclusion about variant significance. To our knowledge, no occurrence of c.1777A>G in individuals affected with CAMTA1-related conditions and no experimental evidence demonstrating its impact on protein function have been reported. ClinVar contains an entry for this variant (Variation ID: 4218600). Based on the evidence outlined above, the variant was classified as uncertain significance.

Ambry Genetics
Classification: Uncertain significance for Inborn genetic diseases. Last evaluated: 2025-08-09. Review status: criteria provided, single submitter. Criteria: Ambry Variant Classification Scheme 2023. Collection method: clinical testing. Allele origin: germline.

NM_015215.4(CAMTA1):c.1777A>G (p.Lys593Glu)

Gene: CAMTA1 (calmodulin binding transcription activator 1; plus strand). Cytogenetic location: 1p36.23.
Variant type: single nucleotide variant.
Coding change: c.1777A>G on transcript NM_015215.4 (MANE Select); coding-DNA position 1777, A replaced by G.
Protein change: p.Lys593Glu; replaces lysine 593 with glutamic acid.
Molecular consequence: missense variant.
Genome position (GRCh38, 1-based): chr1:7,664,324, A>G. VCF-style: chr1-7664324-A-G. GRCh37 (hg19) VCF-style: chr1-7724384-A-G.
Other names: c.1687A>G, p.Lys563Glu (NM_001349608.2, NM_001349612.2); c.1777A>G, p.Lys593Glu (NM_001349609.2, NM_001349610.2, NM_001410737.1); c.1705A>G, p.Lys569Glu (NM_001410738.1); short protein forms K563E, K569E, K593E.
Identifiers: ClinVar variation 4218600 (VCV004218600.4).